The following is an entry in ClinVar:

NM_000465.4(BARD1):c.86A>G (p.Asp29Gly)

Gene: BARD1 (BRCA1 associated RING domain 1; minus strand). Cytogenetic location: 2q35.
Variant type: single nucleotide variant.
Coding change: c.86A>G on transcript NM_000465.4 (MANE Select); coding-DNA position 86, A replaced by G.
Protein change: p.Asp29Gly; replaces aspartic acid 29 with glycine.
Molecular consequence: missense variant. On other transcripts: non-coding transcript variant (3).
Genome position (GRCh38, 1-based): chr2:214,809,484, T>C on the plus strand (A>G on the coding strand, the complement: BARD1 is on the minus strand). VCF-style: chr2-214809484-T-C. GRCh37 (hg19) VCF-style: chr2-215674208-T-C.
Other names: c.86A>G, p.Asp29Gly (NM_001282543.2, NM_001282545.2, NM_001282548.2 and 1 more transcripts); short protein forms D29G.
Identifiers: ClinVar variation 822669 (VCV000822669.4), dbSNP rs777491507, ClinGen allele CA350465105.

ClinVar aggregate classification (germline): Uncertain significance (1 of 4 stars; one submission).

Conditions:
Hereditary cancer-predisposing syndrome. Also called: Tumor predisposition; Hereditary Cancer Syndrome; Neoplastic Syndromes, Hereditary; Hereditary neoplastic syndrome. Identifiers: Orphanet 140162, MedGen C0027672, MeSH D009386, MONDO:0015356.

Submission:

Ambry Genetics
Classification: Uncertain significance for Hereditary cancer-predisposing syndrome. Last evaluated: 2018-01-06. Review status: criteria provided, single submitter. Criteria: Ambry Variant Classification Scheme 2023. Collection method: clinical testing. Allele origin: germline.
Comment: The p.D29G variant (also known as c.86A>G), located in coding exon 1 of the BARD1 gene, results from an A to G substitution at nucleotide position 86. The aspartic acid at codon 29 is replaced by glycine, an amino acid with similar properties. This amino acid position is poorly conserved in available vertebrate species. In addition, this alteration is predicted to be tolerated by in silico analysis. Since supporting evidence is limited at this time, the clinical significance of this alteration remains unclear.